The following is an entry in ClinVar:

NM_001286577.2(C2CD3):c.6815G>T (p.Gly2272Val)

Gene: C2CD3 (C2 domain containing 3 centriole elongation regulator; minus strand). Cytogenetic location: 11q13.4.
Variant type: single nucleotide variant.
Coding change: c.6815G>T on transcript NM_001286577.2 (MANE Select); coding-DNA position 6815, G replaced by T.
Protein change: p.Gly2272Val; replaces glycine 2272 with valine.
Molecular consequence: missense variant.
Genome position (GRCh38, 1-based): chr11:74,028,393, C>A on the plus strand (G>T on the coding strand, the complement: C2CD3 is on the minus strand). VCF-style: chr11-74028393-C-A. GRCh37 (hg19) VCF-style: chr11-73739438-C-A.
Other names: short protein forms G2272V.
Identifiers: ClinVar variation 1434988 (VCV001434988.3), dbSNP rs1056578921, ClinGen allele CA224499097.

ClinVar aggregate classification (germline): Uncertain significance (1 of 4 stars; one submission).

Allele frequency attached by ClinVar (database versions not stated): gnomAD exomes 0.00001.
gnomAD v4.1: 9 of 1,534,628 alleles (0.00059%); highest among the groups gnomAD compares: African/African-American, 0.012%; no homozygotes.

Submission:

Labcorp Genetics (formerly Invitae), Labcorp
Classification: Uncertain significance. Last evaluated: 2021-09-04. Review status: criteria provided, single submitter. Criteria: Invitae Variant Classification Sherloc (09022015). Collection method: clinical testing. Allele origin: germline.
Comment: This sequence change replaces glycine with valine at codon 2272 of the C2CD3 protein (p.Gly2272Val). The C2CD3 gene has multiple clinically relevant transcripts. This variant occurs in alternate transcript NM_001286577.1, and corresponds to NM_015531.5:c.*6205G>T in the primary transcript. The frequency data for this variant in the population databases is considered unreliable, as metrics indicate insufficient coverage at this position in the ExAC database. This variant has not been reported in the literature in individuals affected with C2CD3-related conditions. Experimental studies and prediction algorithms are not available or were not evaluated, and the functional significance of this variant is currently unknown. In summary, the available evidence is currently insufficient to determine the role of this variant in disease. Therefore, it has been classified as a Variant of Uncertain Significance.